The following is an entry in ClinVar:

ClinVar aggregate classification (germline): Uncertain significance (1 of 4 stars; one submission).

gnomAD v4.1: 7 of 1,613,718 alleles (0.00043%); highest among the groups gnomAD compares: Non-Finnish European, 0.00059%; no homozygotes.

Submission:

Ambry Genetics
Classification: Uncertain significance. Last evaluated: 2024-06-23. Review status: criteria provided, single submitter. Criteria: Ambry Variant Classification Scheme 2023. Collection method: clinical testing. Allele origin: germline.
Comment: The p.R708Q variant (also known as c.2123G>A), located in coding exon 12 of the PKP4 gene, results from a G to A substitution at nucleotide position 2123. The arginine at codon 708 is replaced by glutamine, an amino acid with highly similar properties. This amino acid position is conserved. In addition, this alteration is predicted to be deleterious by in silico analysis. Based on the available evidence, the clinical significance of this variant remains unclear.

NM_003628.6(PKP4):c.2123G>A (p.Arg708Gln)

Genes: PKP4 (plakophilin 4; plus strand), PKP4-AS1 (PKP4 antisense RNA 1; minus strand). Cytogenetic location: 2q24.1.
Variant type: single nucleotide variant.
Coding change: c.2123G>A on transcript NM_003628.6 (MANE Select); coding-DNA position 2123, G replaced by A.
Protein change: p.Arg708Gln; replaces arginine 708 with glutamine.
Molecular consequence: missense variant. On other transcripts: non-coding transcript variant (1).
Genome position (GRCh38, 1-based): chr2:158,661,362, G>A. VCF-style: chr2-158661362-G-A. GRCh37 (hg19) VCF-style: chr2-159517874-G-A.
Other names: c.2123G>A, p.Arg708Gln (NM_001005476.4, NM_001304971.2, NM_001377218.1 and 1 more transcripts); c.2120G>A, p.Arg707Gln (NM_001304969.3, NM_001377219.1, NM_001377220.1 and 2 more transcripts); c.1094G>A, p.Arg365Gln (NM_001304970.3); c.2117G>A, p.Arg706Gln (NM_001377222.1, NM_001377223.1); c.2114G>A, p.Arg705Gln (NM_001377224.1); short protein forms R365Q, R706Q, R708Q, R705Q, R707Q.
Identifiers: ClinVar variation 3307117 (VCV003307117.1).
Genomic context (GRCh38, chr2:158,661,362, plus strand): 5'-TCAGCAGCTCCTCCTGTCTCCACCCCTTTAGGAACCTCAGCTCCGCGGGGGAAGAAGCTC[G>A]GAAGCAAATGCGGTCCTGCGAGGGGCTGGTAGACTCACTGTTGTATGTGATCCACACGTG-3'
Protein context (NP_003619.2, residues 698-718): RNLSSAGEEA[Arg708Gln]KQMRSCEGLV